The following is an entry in ClinVar:

ClinVar aggregate classification (germline): Pathogenic (1 of 4 stars; one submission).

Conditions:
Cohen syndrome (COH1). Also called: PEPPER SYNDROME; Cutis verticis gyrata, retinitis pigmentosa, and sensorineural deafness. Identifiers: Orphanet 193, MedGen C0265223, MONDO:0008999, OMIM 216550.

Submission:

Labcorp Genetics (formerly Invitae), Labcorp
Classification: Pathogenic for Cohen syndrome. Last evaluated: 2024-02-11. Review status: criteria provided, single submitter. Criteria: Invitae Variant Classification Sherloc (09022015). Collection method: clinical testing. Allele origin: germline.
Comment: This sequence change creates a premature translational stop signal (p.Glu3950Valfs*43) in the VPS13B gene. While this is not anticipated to result in nonsense mediated decay, it is expected to disrupt the last 73 amino acid(s) of the VPS13B protein. This variant is not present in population databases (gnomAD no frequency). This variant has not been reported in the literature in individuals affected with VPS13B-related conditions. This variant disrupts a region of the VPS13B protein in which other variant(s) (p.Lys3991Leufs*23) have been determined to be pathogenic (Invitae). This suggests that this is a clinically significant region of the protein, and that variants that disrupt it are likely to be disease-causing. For these reasons, this variant has been classified as Pathogenic.

NM_152564.5(VPS13B):c.11768_11771dup (p.Glu3925fs)

Gene: VPS13B (vacuolar protein sorting 13 homolog B; plus strand). Cytogenetic location: 8q22.2.
Variant type: Duplication.
Coding change: c.11768_11771dup on transcript NM_152564.5 (MANE Select); coding-DNA positions 11768 to 11771, 4 bases duplicated (TGTC; older notation c.11768_11771dupTGTC).
Protein change: p.Glu3925fs; shifts the reading frame from glutamic acid 3925.
Molecular consequence: frameshift variant.
Genome position (GRCh38, 1-based): chr8:99,875,440-99,875,443, TGTC duplicated; duplicating any 4 consecutive bases within chr8:99,875,439-99,875,443 gives the same sequence; the c. name uses the placement nearest the transcript's 3' end. VCF-style (leftmost placement, unchanged base first): chr8-99875438-A-ACTGT. GRCh37 (hg19) VCF-style: chr8-100887666-A-ACTGT.
Other names: c.11843_11846dup, p.Glu3950fs (NM_017890.5); short protein forms E3925fs, E3950fs.
Identifiers: ClinVar variation 3640160 (VCV003640160.2).